The following is an entry in ClinVar:

ClinVar aggregate classification (germline): Conflicting classifications of pathogenicity. Review status: criteria provided, conflicting classifications (1 of 4 stars). 7 submissions from 7 submitters: Uncertain significance (6); Likely benign (1). Last evaluated 2026-07-11.

Conditions:
TTN-related disorder. Also called: TTN-related condition; TTN-related disease; TTN-related disorders.
Dilated cardiomyopathy 1G (CMD1G). Identifiers: Orphanet 154, MedGen C1858763, MONDO:0011400, OMIM 604145.
Autosomal recessive limb-girdle muscular dystrophy type 2J (LGMDR10). Also called: Limb-girdle muscular dystrophy, type 2J; MUSCULAR DYSTROPHY, LIMB-GIRDLE, AUTOSOMAL RECESSIVE 10. Identifiers: Orphanet 140922, MedGen C1837342, MONDO:0012127, OMIM 608807.
Cardiovascular phenotype. Identifiers: MedGen CN230736.

Allele frequency attached by ClinVar (database versions not stated): gnomAD exomes 0.00008 and 0.00018; gnomAD 0.00011 and 0.00012; TOPMed 0.00014; ESP Exome Variant Server 0.00016; ExAC 0.00040.
gnomAD v4.1: 137 of 1,593,164 alleles (0.0086%); highest among the groups gnomAD compares: Admixed American, 0.024%; no homozygotes.

Submissions (7):

PreventionGenetics, part of Exact Sciences
Classification: Uncertain significance for TTN-related condition. Last evaluated: 2026-07-11. Review status: criteria provided, single submitter. Criteria: ACMG Guidelines, 2015. Collection method: clinical testing. Allele origin: germline.
Comment: The TTN c.48683G>A variant is predicted to result in the amino acid substitution p.Arg16228His. This variant has been reported, along with another variant in the same gene, in an individual with dilated cardiomyopathy (DCM) (reported as c.40979G>A/p.Arg13660His using transcript NM_133378, in Table VI, Pham et al. 2023. PubMed ID: 37199186). This variant is reported in 0.034% of alleles in individuals of Latino descent in gnomAD. At this time, the clinical significance of this variant is uncertain due to the absence of conclusive functional and genetic evidence.

Women's Health and Genetics/Laboratory Corporation of America, LabCorp
Classification: Uncertain significance. Last evaluated: 2025-09-03. Review status: criteria provided, single submitter. Criteria: LabCorp Variant Classification Summary - May 2015. Collection method: clinical testing. Allele origin: germline.
Comment: Variant summary: TTN c.40979G>A (p.Arg13660His) results in a non-conservative amino acid change in the encoded protein sequence. Algorithms developed to predict the effect of missense changes on protein structure and function all suggest that this variant is likely to be disruptive. The variant allele was found at a frequency of 0.00018 in 219902 control chromosomes. This frequency is not significantly higher than estimated for disease-causing variants in TTN, allowing no conclusion about variant significance. c.40979G>A has been observed in at least one compound heterozygous individual affected with dilated cardiomyopathy without strong evidence for causality (e.g. Pham_2023). These report(s) do not provide unequivocal conclusions about association of the variant with Autosomal Recessive Titinopathy. To our knowledge, no experimental evidence demonstrating an impact on protein function has been reported. The following publication has been ascertained in the context of this evaluation (PMID: 37199186). ClinVar contains an entry for this variant (Variation ID: 202669). Based on the evidence outlined above, the variant was classified as uncertain significance.

Revvity Omics, Revvity
Classification: Uncertain significance. Last evaluated: 2024-04-03. Review status: criteria provided, single submitter. Criteria: ACMG Guidelines, 2015. Collection method: clinical testing. Allele origin: germline.

Mayo Clinic Laboratories, Mayo Clinic
Classification: Uncertain significance. Last evaluated: 2023-06-21. Review status: criteria provided, single submitter. Criteria: ACMG Guidelines, 2015. Collection method: clinical testing. Allele origin: germline. Observed: 1 variant allele.

GeneDx
Classification: Likely benign. Last evaluated: 2021-05-14. Review status: criteria provided, single submitter. Criteria: GeneDx Variant Classification Process June 2021. Collection method: clinical testing. Allele origin: germline. Affected: yes.

Ambry Genetics
Classification: Uncertain significance for Cardiovascular phenotype. Last evaluated: 2019-10-23. Review status: criteria provided, single submitter. Criteria: Ambry Variant Classification Scheme 2023. Collection method: clinical testing. Allele origin: germline.
Comment: The p.R7163H variant (also known as c.21488G>A), located in coding exon 87 of the TTN gene, results from a G to A substitution at nucleotide position 21488. The arginine at codon 7163 is replaced by histidine, an amino acid with highly similar properties. This amino acid position is highly conserved in available vertebrate species. In addition, the in silico prediction for this alteration is inconclusive. Since supporting evidence is limited at this time, the clinical significance of this alteration remains unclear.

Labcorp Genetics (formerly Invitae), Labcorp
Classification: Uncertain significance for Dilated cardiomyopathy 1G; Autosomal recessive limb-girdle muscular dystrophy type 2J. Last evaluated: 2017-11-13. Review status: criteria provided, single submitter. Criteria: Invitae Variant Classification Sherloc (09022015). Collection method: clinical testing. Allele origin: germline.

Literature cited by the submitters: PubMed 37199186 (cited by Women's Health and Genetics/Laboratory Corporation of America, LabCorp).

NM_001267550.2(TTN):c.48683G>A (p.Arg16228His)

Genes: TTN (titin; minus strand), TTN-AS1 (TTN antisense RNA 1; plus strand), LOC126806426 (BRD4-independent group 4 enhancer GRCh37_chr2:179478848-179480047; plus strand). Cytogenetic location: 2q31.2.
Variant type: single nucleotide variant.
Coding change: c.48683G>A on transcript NM_001267550.2 (MANE Select); coding-DNA position 48683, G replaced by A.
Protein change: p.Arg16228His; replaces arginine 16228 with histidine.
Molecular consequence: missense variant.
Genome position (GRCh38, 1-based): chr2:178,614,924, C>T on the plus strand (G>A on the coding strand, the complement: TTN is on the minus strand). VCF-style: chr2-178614924-C-T. GRCh37 (hg19) VCF-style: chr2-179479651-C-T.
Other names: p.R14587H:CGC>CAC; p.Arg13660His; c.43760G>A, p.Arg14587His (NM_001256850.1); c.21488G>A, p.Arg7163His (NM_003319.4); c.40979G>A, p.Arg13660His (NM_133378.4); c.21863G>A, p.Arg7288His (NM_133432.3); c.22064G>A, p.Arg7355His (NM_133437.4); short protein forms R14587H, R16228H, R7163H, R13660H, R7288H, R7355H.
Identifiers: ClinVar variation 202669 (VCV000202669.12), dbSNP rs368806005, ClinGen allele CA309929.